The following is an entry in ClinVar:

NM_001142800.2(EYS):c.5576C>A (p.Pro1859His)

Gene: EYS (EGF-like photoreceptor maintenance factor; minus strand). Cytogenetic location: 6q12.
Variant type: single nucleotide variant.
Coding change: c.5576C>A on transcript NM_001142800.2 (MANE Select); coding-DNA position 5576, C replaced by A.
Protein change: p.Pro1859His; replaces proline 1859 with histidine.
Molecular consequence: missense variant.
Genome position (GRCh38, 1-based): chr6:64,590,291, G>T on the plus strand (C>A on the coding strand, the complement: EYS is on the minus strand). VCF-style: chr6-64590291-G-T. GRCh37 (hg19) VCF-style: chr6-65300184-G-T.
Other names: c.5576C>A, p.Pro1859His (NM_001292009.2); short protein forms P1859H.
Identifiers: ClinVar variation 1711629 (VCV001711629.31), dbSNP rs1449547805, ClinGen allele CA364780799.

ClinVar aggregate classification (germline): Uncertain significance. Review status: criteria provided, multiple submitters, no conflicts (2 of 4 stars). 2 submissions from 2 submitters: Uncertain significance (2). Last evaluated 2025-04-07.

Allele frequency attached by ClinVar (database versions not stated): TOPMed below 0.00001; gnomAD 0.00001.
gnomAD v4.1: 8 of 1,551,040 alleles (0.00052%); highest among the groups gnomAD compares: Non-Finnish European, 0.00035%; no homozygotes.

Submissions (2):

Labcorp Genetics (formerly Invitae), Labcorp
Classification: Uncertain significance. Last evaluated: 2025-04-07. Review status: criteria provided, single submitter. Criteria: Invitae Variant Classification Sherloc (09022015). Collection method: clinical testing. Allele origin: germline.
Comment: This sequence change replaces proline, which is neutral and non-polar, with histidine, which is basic and polar, at codon 1859 of the EYS protein (p.Pro1859His). This variant is present in population databases (no rsID available, gnomAD 0.001%). This variant has not been reported in the literature in individuals affected with EYS-related conditions. ClinVar contains an entry for this variant (Variation ID: 1711629). Invitae Evidence Modeling of protein sequence and biophysical properties (such as structural, functional, and spatial information, amino acid conservation, physicochemical variation, residue mobility, and thermodynamic stability) indicates that this missense variant is not expected to disrupt EYS protein function with a negative predictive value of 80%. In summary, the available evidence is currently insufficient to determine the role of this variant in disease. Therefore, it has been classified as a Variant of Uncertain Significance.

CeGaT Center for Human Genetics Tuebingen
Classification: Uncertain significance. Last evaluated: 2022-08-01. Review status: criteria provided, single submitter. Criteria: CeGaT Center For Human Genetics Tuebingen Variant Classification Criteria Version 2. Collection method: clinical testing. Allele origin: germline. Affected: yes. Observed: 1 variant allele.
Comment: EYS: PM2, BP4